The following is an entry in ClinVar:

NM_001144997.2(ITGA7):c.85+4035T>C

Gene: ITGA7 (integrin subunit alpha 7; minus strand). Cytogenetic location: 12q13.2.
Variant type: single nucleotide variant.
Coding change: c.85+4035T>C on transcript NM_001144997.2; 4035 bases into the intron after coding-DNA position 85, T replaced by C.
Molecular consequence: intron variant.
Genome position (GRCh38, 1-based): chr12:55,708,028, A>G on the plus strand (T>C on the coding strand, the complement: ITGA7 is on the minus strand). VCF-style: chr12-55708028-A-G. GRCh37 (hg19) VCF-style: chr12-56101812-A-G.
Other names: c.-134+4035T>C (NM_001367993.1, NM_001414035.1).
Identifiers: ClinVar variation 679846 (VCV000679846.3), dbSNP rs12305504, ClinGen allele CA13647828.

ClinVar aggregate classification (germline): Benign (1 of 4 stars; one submission).

Allele frequency attached by ClinVar (database versions not stated): gnomAD exomes 0.50683; 1000 Genomes Project 0.62200; gnomAD 0.50447 and 0.51813; TOPMed 0.50524; 1000 Genomes Project 30x 0.61071.
gnomAD v4.1: 589,759 of 1,159,094 alleles (51%); highest among the groups gnomAD compares: East Asian, 94%; 154,260 homozygotes.

Submission:

GeneDx
Classification: Benign. Last evaluated: 2018-06-18. Review status: criteria provided, single submitter. Criteria: GeneDx Variant Classification (06012015). Collection method: clinical testing. Allele origin: germline. Affected: yes.
Comment: This variant is considered likely benign or benign based on one or more of the following criteria: it is a conservative change, it occurs at a poorly conserved position in the protein, it is predicted to be benign by multiple in silico algorithms, and/or has population frequency not consistent with disease.